The following is an entry in ClinVar:

ClinVar aggregate classification (germline): Pathogenic/Likely pathogenic. Review status: criteria provided, multiple submitters, no conflicts (2 of 4 stars). 2 submissions from 2 submitters: Pathogenic (1); Likely pathogenic (1). Last evaluated 2022-04-19.

Conditions:
Early-infantile DEE. Also called: Early infantile epileptic encephalopathy with suppression bursts; Early infantile epileptic encephalopathy; Ohtahara syndrome. Identifiers: Orphanet 1934, MedGen C0393706, MONDO:0800491.
Developmental and epileptic encephalopathy, 7 (DEE7). Also called: Early infantile epileptic encephalopathy 7; KCNQ2-Related Neonatal-Onset Developmental and Epileptic Encephalopathy (NEO-DEE); KCNQ2-Related Neonatal Epileptic Encephalopathy. Identifiers: Orphanet 439218, MedGen C3150986, MONDO:0013387, OMIM 613720.

Submissions (2):

Labcorp Genetics (formerly Invitae), Labcorp
Classification: Pathogenic for Early-infantile DEE. Last evaluated: 2022-04-19. Review status: criteria provided, single submitter. Criteria: Invitae Variant Classification Sherloc (09022015). Collection method: clinical testing. Allele origin: germline.
Comment: For these reasons, this variant has been classified as Pathogenic. Advanced modeling of protein sequence and biophysical properties (such as structural, functional, and spatial information, amino acid conservation, physicochemical variation, residue mobility, and thermodynamic stability) performed at Invitae indicates that this missense variant is expected to disrupt KCNQ2 protein function. ClinVar contains an entry for this variant (Variation ID: 488538). This missense change has been observed in individual(s) with early onset epileptic encephalopathy (PMID: 30478917). In at least one individual the variant was observed to be de novo. This sequence change replaces glycine, which is neutral and non-polar, with arginine, which is basic and polar, at codon 281 of the KCNQ2 protein (p.Gly281Arg). This variant is not present in population databases (gnomAD no frequency).

Institute of Human Genetics Munich, TUM University Hospital
Classification: Likely pathogenic for Developmental and epileptic encephalopathy, 7. Last evaluated: 2017-11-08. Review status: criteria provided, single submitter. Criteria: Classification criteria August 2017. Collection method: clinical testing. Allele origin: de novo. Inheritance: Autosomal dominant inheritance. Affected: yes. Observed: 1 heterozygote.

Literature cited by the submitters: PubMed 30478917 (cited by Labcorp Genetics (formerly Invitae), Labcorp).

NM_172107.4(KCNQ2):c.841G>C (p.Gly281Arg)

Gene: KCNQ2 (potassium voltage-gated channel subfamily Q member 2; minus strand). Cytogenetic location: 20q13.33.
Variant type: single nucleotide variant.
Coding change: c.841G>C on transcript NM_172107.4 (MANE Select); coding-DNA position 841, G replaced by C.
Protein change: p.Gly281Arg; replaces glycine 281 with arginine.
Molecular consequence: missense variant.
Genome position (GRCh38, 1-based): chr20:63,439,684, C>G on the plus strand (G>C on the coding strand, the complement: KCNQ2 is on the minus strand). VCF-style: chr20-63439684-C-G. GRCh37 (hg19) VCF-style: chr20-62071037-C-G.
Other names: c.841G>C, p.Gly281Arg (NM_004518.6, NM_172106.3, NM_172108.5 and 1 more transcripts); short protein forms G281R.
Identifiers: ClinVar variation 488538 (VCV000488538.12), dbSNP rs794727813, ClinGen allele CA409652696.
Genomic context (GRCh38, chr20:63,439,684, plus strand): 5'-CGATGAGGGTGAAGGTTGCCGCAAGGAGCCTGCCGTTCCAGGTCTGGGGGTACTTGTCCC[C>G]GTAGCCAATGGTGGTCAGCGTGATCTGTGGGACCGCAGGCTCTAGTCACACGAAGGGCCT-3'
Protein context (NP_742105.1, residues 271-291): GLITLTTIGY[Gly281Arg]DKYPQTWNGR